The following is an entry in ClinVar:

NM_001164375.3(C10orf105):c.342C>T (p.Pro114=)

Genes: C10orf105 (chromosome 10 open reading frame 105; minus strand), CDH23 (cadherin related 23; plus strand). Cytogenetic location: 10q22.1.
Variant type: single nucleotide variant.
Coding change: c.342C>T on transcript NM_001164375.3 (MANE Select); coding-DNA position 342, C replaced by T.
Protein change: p.Pro114=; no amino-acid change (proline 114 retained).
Molecular consequence: synonymous variant. On other transcripts: intron variant (2).
Genome position (GRCh38, 1-based): chr10:71,715,996, G>A on the plus strand (C>T on the coding strand, the complement: C10orf105 is on the minus strand). VCF-style: chr10-71715996-G-A. GRCh37 (hg19) VCF-style: chr10-73475753-G-A.
Other names: c.342C>T, p.Pro114= (NM_001168390.2); c.3369+3183G>A (NM_022124.6, NM_001171930.2).
Identifiers: ClinVar variation 4084505 (VCV004084505.8).

ClinVar aggregate classification (germline): Likely benign (1 of 4 stars; one submission).

gnomAD v4.1: 1,751 of 1,497,098 alleles (0.12%); highest among the groups gnomAD compares: Non-Finnish European, 0.14%; 3 homozygotes.

Submission:

CeGaT Center for Human Genetics Tuebingen
Classification: Likely benign. Last evaluated: 2026-05-01. Review status: criteria provided, single submitter. Criteria: CeGaT Center For Human Genetics Tuebingen Variant Classification Criteria Version 2. Collection method: clinical testing. Allele origin: germline. Affected: yes. Observed: 2 variant alleles.
Comment: C10orf105: BP4, BP7